The following is an entry in ClinVar:

NM_025114.4(CEP290):c.4586C>G (p.Pro1529Arg)

Gene: CEP290 (centrosomal protein 290; minus strand). Cytogenetic location: 12q21.32.
Variant type: single nucleotide variant.
Coding change: c.4586C>G on transcript NM_025114.4 (MANE Select); coding-DNA position 4586, C replaced by G.
Protein change: p.Pro1529Arg; replaces proline 1529 with arginine.
Molecular consequence: missense variant.
Genome position (GRCh38, 1-based): chr12:88,084,704, G>C on the plus strand (C>G on the coding strand, the complement: CEP290 is on the minus strand). VCF-style: chr12-88084704-G-C. GRCh37 (hg19) VCF-style: chr12-88478481-G-C.
Other names: short protein forms P1529R.
Identifiers: ClinVar variation 945906 (VCV000945906.10), dbSNP rs759438587, ClinGen allele CA6711908.

ClinVar aggregate classification (germline): Uncertain significance (1 of 4 stars; one submission).

Conditions:
Meckel-Gruber syndrome. Also called: Dysencephalia splachnocystica; DYSENCEPHALIA SPLANCHNOCYSTICA; GRUBER SYNDROME. Identifiers: Orphanet 564, MedGen C0265215, MONDO:0018921.
Nephronophthisis. Also called: Juvenile Nephronophthisis. Identifiers: Orphanet 655, MedGen C0687120, MONDO:0019005, HP:0000090.
Joubert syndrome. Also called: Familial aplasia of the vermis; CEREBELLOPARENCHYMAL DISORDER IV; JOUBERT-BOLTSHAUSER SYNDROME. Identifiers: Orphanet 475, MedGen C5979921, MONDO:0018772.

Allele frequency attached by ClinVar (database versions not stated): gnomAD exomes below 0.00001; ExAC 0.00001.

Submission:

Labcorp Genetics (formerly Invitae), Labcorp
Classification: Uncertain significance for Joubert syndrome; Meckel-Gruber syndrome; Nephronophthisis. Last evaluated: 2019-08-20. Review status: criteria provided, single submitter. Criteria: Invitae Variant Classification Sherloc (09022015). Collection method: clinical testing. Allele origin: germline.
Comment: In summary, the available evidence is currently insufficient to determine the role of this variant in disease. Therefore, it has been classified as a Variant of Uncertain Significance. Algorithms developed to predict the effect of missense changes on protein structure and function are either unavailable or do not agree on the potential impact of this missense change (SIFT: "Deleterious"; PolyPhen-2: "Possibly Damaging"; Align-GVGD: "Class C0"). This variant has not been reported in the literature in individuals with CEP290-related conditions. This variant is present in population databases (rs759438587, ExAC 0.001%). This sequence change replaces proline with arginine at codon 1529 of the CEP290 protein (p.Pro1529Arg). The proline residue is highly conserved and there is a moderate physicochemical difference between proline and arginine.